The following is an entry in ClinVar:

NM_001130438.3(SPTAN1):c.3293G>A (p.Arg1098His)

Gene: SPTAN1 (spectrin alpha, non-erythrocytic 1; plus strand). Cytogenetic location: 9q34.11.
Variant type: single nucleotide variant.
Coding change: c.3293G>A on transcript NM_001130438.3 (MANE Select); coding-DNA position 3293, G replaced by A.
Protein change: p.Arg1098His; replaces arginine 1098 with histidine.
Molecular consequence: missense variant.
Genome position (GRCh38, 1-based): chr9:128,594,252, G>A. VCF-style: chr9-128594252-G-A. GRCh37 (hg19) VCF-style: chr9-131356531-G-A.
Other names: c.3233G>A, p.Arg1078His (NM_001195532.2, NM_001363765.2, NM_001375314.2); c.3293G>A, p.Arg1098His (NM_001363759.2, NM_001375310.1, NM_001375311.2 and 2 more transcripts); c.3329G>A, p.Arg1110His (NM_001375312.2, NM_001375318.1); short protein forms R1098H, R1078H, R1110H.
Identifiers: ClinVar variation 850996 (VCV000850996.11), dbSNP rs1853921006, ClinGen allele CA375061866.

ClinVar aggregate classification (germline): Uncertain significance (1 of 4 stars; one submission).

Conditions:
Early-infantile DEE. Also called: Ohtahara syndrome; Early infantile epileptic encephalopathy with suppression bursts; Early infantile epileptic encephalopathy. Identifiers: Orphanet 1934, MedGen C0393706, MONDO:0800491.

Submission:

Labcorp Genetics (formerly Invitae), Labcorp
Classification: Uncertain significance for Early-infantile DEE. Last evaluated: 2024-07-08. Review status: criteria provided, single submitter. Criteria: Invitae Variant Classification Sherloc (09022015). Collection method: clinical testing. Allele origin: germline.
Comment: This sequence change replaces arginine, which is basic and polar, with histidine, which is basic and polar, at codon 1098 of the SPTAN1 protein (p.Arg1098His). This variant is not present in population databases (gnomAD no frequency). This missense change has been observed in individual(s) with clinical features of SPTAN1-related conditions (Invitae). ClinVar contains an entry for this variant (Variation ID: 850996). Advanced modeling of protein sequence and biophysical properties (such as structural, functional, and spatial information, amino acid conservation, physicochemical variation, residue mobility, and thermodynamic stability) has been performed at Invitae for this missense variant, however the output from this modeling did not meet the statistical confidence thresholds required to predict the impact of this variant on SPTAN1 protein function. This variant disrupts the p.Arg1098 amino acid residue in SPTAN1. Other variant(s) that disrupt this residue have been observed in individuals with SPTAN1-related conditions (PMID: 34590414, 35150594), which suggests that this may be a clinically significant amino acid residue. In summary, the available evidence is currently insufficient to determine the role of this variant in disease. Therefore, it has been classified as a Variant of Uncertain Significance.

Literature cited by the submitters: PubMed 34590414; PubMed 35150594.